The following is an entry in ClinVar:

NM_001614.5(ACTG1):c.690C>T (p.Ala230=)

Gene: ACTG1 (actin gamma 1; minus strand). Cytogenetic location: 17q25.3.
Variant type: single nucleotide variant.
Coding change: c.690C>T on transcript NM_001614.5 (MANE Select); coding-DNA position 690, C replaced by T.
Protein change: p.Ala230=; no amino-acid change (alanine 230 retained).
Molecular consequence: synonymous variant. On other transcripts: non-coding transcript variant (1).
Genome position (GRCh38, 1-based): chr17:81,511,300, G>A on the plus strand (C>T on the coding strand, the complement: ACTG1 is on the minus strand). VCF-style: chr17-81511300-G-A. GRCh37 (hg19) VCF-style: chr17-79478326-G-A.
Other names: c.690C>T, p.Ala230= (NM_001199954.3).
Identifiers: ClinVar variation 379382 (VCV000379382.7), dbSNP rs11549213, ClinGen allele CA8836019.

ClinVar aggregate classification (germline): Likely benign. Review status: criteria provided, multiple submitters, no conflicts (2 of 4 stars). 3 submissions from 3 submitters: Likely benign (3). Last evaluated 2025-05-18.

Conditions:
Autosomal dominant nonsyndromic hearing loss 20. Identifiers: Orphanet 90635, MedGen C1858172, MONDO:0011480, OMIM 604717.
Baraitser-winter syndrome 2. Identifiers: Orphanet 2995, MedGen C3281235, MONDO:0013812, OMIM 614583.

Allele frequency attached by ClinVar (database versions not stated): gnomAD 0.00006; ExAC 0.00008; gnomAD exomes 0.00009; TOPMed 0.00011; ESP Exome Variant Server 0.00015; 1000 Genomes Project 0.00040; 1000 Genomes Project 30x 0.00047.

Submissions (3):

Labcorp Genetics (formerly Invitae), Labcorp
Classification: Likely benign for Baraitser-winter syndrome 2; Autosomal dominant nonsyndromic hearing loss 20. Last evaluated: 2025-05-18. Review status: criteria provided, single submitter. Criteria: Invitae Variant Classification Sherloc (09022015). Collection method: clinical testing. Allele origin: germline.

Blueprint Genetics
Classification: Likely benign. Last evaluated: 2024-08-26. Review status: criteria provided, single submitter. Criteria: ACMG Guidelines, 2015. Collection method: clinical testing. Allele origin: germline.

GeneDx
Classification: Likely benign. Last evaluated: 2016-12-15. Review status: criteria provided, single submitter. Criteria: GeneDx Variant Classification (06012015). Collection method: clinical testing. Allele origin: germline. Affected: yes.
Comment: This variant is considered likely benign or benign based on one or more of the following criteria: it is a conservative change, it occurs at a poorly conserved position in the protein, it is predicted to be benign by multiple in silico algorithms, and/or has population frequency not consistent with disease.